The following is an entry in ClinVar:

ClinVar aggregate classification (germline): Uncertain significance (1 of 4 stars; one submission).

Submission:

Labcorp Genetics (formerly Invitae), Labcorp
Classification: Uncertain significance. Last evaluated: 2025-10-21. Review status: criteria provided, single submitter. Criteria: Invitae Variant Classification Sherloc (09022015). Collection method: clinical testing. Allele origin: germline.
Comment: This sequence change replaces asparagine, which is neutral and polar, with tyrosine, which is neutral and polar, at codon 1435 of the POLA1 protein (p.Asn1435Tyr). This variant is not present in population databases (gnomAD no frequency). This variant has not been reported in the literature in individuals affected with POLA1-related conditions. ClinVar contains an entry for this variant (Variation ID: 2837956). Invitae Evidence Modeling of protein sequence and biophysical properties (such as structural, functional, and spatial information, amino acid conservation, physicochemical variation, residue mobility, and thermodynamic stability) indicates that this missense variant is not expected to disrupt POLA1 protein function with a negative predictive value of 80%. In summary, the available evidence is currently insufficient to determine the role of this variant in disease. Therefore, it has been classified as a Variant of Uncertain Significance.

NM_001330360.2(POLA1):c.4321A>T (p.Asn1441Tyr)

Gene: POLA1 (DNA polymerase alpha 1, catalytic subunit; plus strand). Cytogenetic location: Xp21.3.
Variant type: single nucleotide variant.
Coding change: c.4321A>T on transcript NM_001330360.2 (MANE Select); coding-DNA position 4321, A replaced by T.
Protein change: p.Asn1441Tyr; replaces asparagine 1441 with tyrosine.
Molecular consequence: missense variant. On other transcripts: non-coding transcript variant (2).
Genome position (GRCh38, 1-based): chrX:24,995,864, A>T. VCF-style: chrX-24995864-A-T. GRCh37 (hg19) VCF-style: chrX-25013981-A-T.
Other names: c.4246A>T, p.Asn1416Tyr (NM_001378303.1); c.4303A>T, p.Asn1435Tyr (NM_016937.4); short protein forms N1441Y, N1416Y, N1435Y.
Identifiers: ClinVar variation 2837956 (VCV002837956.3), dbSNP rs2519087273, ClinGen allele CA412609538.
Genomic context (GRCh38, chrX:24,995,864, plus strand): 5'-GATAAATTGAAGAAGCAATTTTTTACCCCCAAAGTTCTGCAGGACTACAGAAAACTCAAG[A>T]ACACAGCAGAGCAATTCTTGTCCCGAAGTGGCTACTCCGAAGTGAATCTGAGCAAACTCT-3'
Protein context (NP_001317289.1, residues 1431-1451): KVLQDYRKLK[Asn1441Tyr]TAEQFLSRSG